The following is an entry in ClinVar:

NM_000642.3(AGL):c.4301A>G (p.Asn1434Ser)

Gene: AGL (amylo-alpha-1,6-glucosidase and 4-alpha-glucanotransferase; plus strand). Cytogenetic location: 1p21.2.
Variant type: single nucleotide variant.
Coding change: c.4301A>G on transcript NM_000642.3 (MANE Select); coding-DNA position 4301, A replaced by G.
Protein change: p.Asn1434Ser; replaces asparagine 1434 with serine.
Molecular consequence: missense variant.
Genome position (GRCh38, 1-based): chr1:99,916,451, A>G. VCF-style: chr1-99916451-A-G. GRCh37 (hg19) VCF-style: chr1-100382007-A-G.
Other names: c.4301A>G, p.Asn1434Ser (NM_000028.3, NM_000643.3, NM_000644.3 and 1 more transcripts); c.4253A>G, p.Asn1418Ser (NM_000646.3); c.4280A>G, p.Asn1427Ser (NM_001425326.1); c.4100A>G, p.Asn1367Ser (NM_001425327.1); c.4097A>G, p.Asn1366Ser (NM_001425328.1); c.3962A>G, p.Asn1321Ser (NM_001425329.1); c.3923A>G, p.Asn1308Ser (NM_001425332.1); short protein forms N1418S, N1434S, N1308S, N1321S, N1366S, N1367S, N1427S.
Identifiers: ClinVar variation 846795 (VCV000846795.8), dbSNP rs775357608, ClinGen allele CA967393.

ClinVar aggregate classification (germline): Uncertain significance. Review status: criteria provided, multiple submitters, no conflicts (2 of 4 stars). 3 submissions from 3 submitters: Uncertain significance (2). 1 of the submissions does not count toward it. Last evaluated 2024-11-23.

Conditions:
Inborn genetic diseases. Identifiers: MedGen C0950123, MeSH D030342.
Glycogen storage disease type III (GSD3). Also called: FORBES DISEASE; Cori disease. Identifiers: Orphanet 366, MedGen C0017922, MONDO:0009291, OMIM 232400.

Allele frequency attached by ClinVar (database versions not stated): ExAC 0.00001; gnomAD 0.00001 and 0.00002; gnomAD exomes 0.00001 and 0.00002.
gnomAD v4.1: 30 of 1,612,714 alleles (0.0019%); highest among the groups gnomAD compares: African/African-American, 0.0053%; no homozygotes.

Submissions (3):

Ambry Genetics
Classification: Uncertain significance for Inborn genetic diseases. Last evaluated: 2024-11-23. Review status: criteria provided, single submitter. Criteria: Ambry Variant Classification Scheme 2023. Collection method: clinical testing. Allele origin: germline.

Labcorp Genetics (formerly Invitae), Labcorp
Classification: Uncertain significance for Glycogen storage disease type III. Last evaluated: 2022-06-13. Review status: criteria provided, single submitter. Criteria: Invitae Variant Classification Sherloc (09022015). Collection method: clinical testing. Allele origin: germline.
Comment: This sequence change replaces asparagine, which is neutral and polar, with serine, which is neutral and polar, at codon 1434 of the AGL protein (p.Asn1434Ser). This variant is present in population databases (rs775357608, gnomAD 0.003%). This variant has not been reported in the literature in individuals affected with AGL-related conditions. ClinVar contains an entry for this variant (Variation ID: 846795). Algorithms developed to predict the effect of missense changes on protein structure and function (SIFT, PolyPhen-2, Align-GVGD) all suggest that this variant is likely to be tolerated. In summary, the available evidence is currently insufficient to determine the role of this variant in disease. Therefore, it has been classified as a Variant of Uncertain Significance.

Natera, Inc.
Classification: Uncertain significance for Glycogen storage disease type III. Last evaluated: 2020-07-13. Review status: no assertion criteria provided. Collection method: clinical testing. Allele origin: germline. Not counted in ClinVar's aggregate classification.